The following is an entry in ClinVar:

ClinVar aggregate classification (germline): Uncertain significance (1 of 4 stars; one submission).

gnomAD v4.1: 11 of 1,596,386 alleles (0.00069%); highest among the groups gnomAD compares: African/African-American, 0.012%; no homozygotes.

Submission:

GeneDx
Classification: Uncertain significance. Last evaluated: 2025-04-16. Review status: criteria provided, single submitter. Criteria: GeneDx Variant Classification Process June 2021. Collection method: clinical testing. Allele origin: germline. Affected: yes.
Comment: In silico analysis supports that this missense variant has a deleterious effect on protein structure/function; Has not been previously published as pathogenic or benign to our knowledge

NM_002662.5(PLD1):c.2325C>A (p.His775Gln)

Gene: PLD1 (phospholipase D1; minus strand). Cytogenetic location: 3q26.31.
Variant type: single nucleotide variant.
Coding change: c.2325C>A on transcript NM_002662.5 (MANE Select); coding-DNA position 2325, C replaced by A.
Protein change: p.His775Gln; replaces histidine 775 with glutamine.
Molecular consequence: missense variant.
Genome position (GRCh38, 1-based): chr3:171,662,075, G>T on the plus strand (C>A on the coding strand, the complement: PLD1 is on the minus strand). VCF-style: chr3-171662075-G-T. GRCh37 (hg19) VCF-style: chr3-171379865-G-T.
Other names: c.2211C>A, p.His737Gln (NM_001130081.3); short protein forms H737Q, H775Q.
Identifiers: ClinVar variation 4282300 (VCV004282300.1).
Genomic context (GRCh38, chr3:171,662,075, plus strand): 5'-AAGGGAAGGCAGTTTCTCACACGAATTTACATGAGCAAGACTTACTTCGATATAGATATA[G>T]TGCCTGCTGTTCTCTATCACATGGACGTAAGCGGCGTGGATGGACTCTTCATGGTACTTT-3'
Protein context (NP_002653.1, residues 765-785): AYVHVIENSR[His775Gln]YIYIENQFFI